The following is an entry in ClinVar:

ClinVar aggregate classification (germline): Uncertain significance. Review status: criteria provided, multiple submitters, no conflicts (2 of 4 stars). 2 submissions from 2 submitters: Uncertain significance (2). Last evaluated 2023-11-28.

Conditions:
Alstrom syndrome (ALMS). Identifiers: Orphanet 64, MedGen C0268425, MONDO:0008763, OMIM 203800.

Allele frequency attached by ClinVar (database versions not stated): gnomAD exomes below 0.00001; TOPMed below 0.00001.
gnomAD v4.1: 1 of 1,611,462 alleles (0.000062%); highest among the groups gnomAD compares: Admixed American, 0.0017%; no homozygotes.

Submissions (2):

GeneDx
Classification: Uncertain significance. Last evaluated: 2023-11-28. Review status: criteria provided, single submitter. Criteria: GeneDx Variant Classification Process June 2021. Collection method: clinical testing. Allele origin: germline. Affected: yes.
Comment: Not observed at significant frequency in large population cohorts (gnomAD); In silico analysis supports that this missense variant has a deleterious effect on protein structure/function; Has not been previously published as pathogenic or benign to our knowledge

Labcorp Genetics (formerly Invitae), Labcorp
Classification: Uncertain significance for Alstrom syndrome. Last evaluated: 2022-11-01. Review status: criteria provided, single submitter. Criteria: Invitae Variant Classification Sherloc (09022015). Collection method: clinical testing. Allele origin: germline.
Comment: This sequence change replaces isoleucine, which is neutral and non-polar, with methionine, which is neutral and non-polar, at codon 1391 of the ALMS1 protein (p.Ile1391Met). This variant is not present in population databases (gnomAD no frequency). This variant has not been reported in the literature in individuals affected with ALMS1-related conditions. ClinVar contains an entry for this variant (Variation ID: 1520546). Experimental studies and prediction algorithms are not available or were not evaluated, and the functional significance of this variant is currently unknown. In summary, the available evidence is currently insufficient to determine the role of this variant in disease. Therefore, it has been classified as a Variant of Uncertain Significance.

NM_001378454.1(ALMS1):c.4170T>G (p.Ile1390Met)

Gene: ALMS1 (ALMS1 centrosome and basal body associated protein; plus strand). Cytogenetic location: 2p13.1.
Variant type: single nucleotide variant.
Coding change: c.4170T>G on transcript NM_001378454.1 (MANE Select); coding-DNA position 4170, T replaced by G.
Protein change: p.Ile1390Met; replaces isoleucine 1390 with methionine.
Molecular consequence: missense variant.
Genome position (GRCh38, 1-based): chr2:73,450,697, T>G. VCF-style: chr2-73450697-T-G. GRCh37 (hg19) VCF-style: chr2-73677824-T-G.
Other names: c.4173T>G, p.Ile1391Met (NM_015120.4); short protein forms I1390M, I1391M.
Identifiers: ClinVar variation 1520546 (VCV001520546.4), dbSNP rs1671916265, ClinGen allele CA347277618.